The following is an entry in ClinVar:

ClinVar aggregate classification (germline): Uncertain significance. Review status: criteria provided, multiple submitters, no conflicts (2 of 4 stars). 6 submissions from 6 submitters: Uncertain significance (3). 3 of the submissions do not count toward it. Last evaluated 2024-12-23.

Conditions:
Dilated cardiomyopathy 1JJ (CMD1JJ). Identifiers: Orphanet 154, MedGen C3808935, MONDO:0014095, OMIM 615235.
Cardiovascular phenotype. Identifiers: MedGen CN230736.

Allele frequency attached by ClinVar (database versions not stated): ExAC 0.00002; gnomAD 0.00002 and 0.00001; gnomAD exomes 0.00003 and 0.00001; TOPMed 0.00003.
gnomAD v4.1: 17 of 1,612,770 alleles (0.0011%); highest among the groups gnomAD compares: Non-Finnish European, 0.0014%; no homozygotes.

Submissions (6):

Labcorp Genetics (formerly Invitae), Labcorp
Classification: Uncertain significance for Dilated cardiomyopathy 1JJ. Last evaluated: 2024-12-23. Review status: criteria provided, single submitter. Criteria: Invitae Variant Classification Sherloc (09022015). Collection method: clinical testing. Allele origin: germline.
Comment: This sequence change replaces proline, which is neutral and non-polar, with leucine, which is neutral and non-polar, at codon 1162 of the LAMA4 protein (p.Pro1162Leu). This variant is present in population databases (rs730880123, gnomAD 0.004%). This variant has not been reported in the literature in individuals affected with LAMA4-related conditions. ClinVar contains an entry for this variant (Variation ID: 180393). Invitae Evidence Modeling of protein sequence and biophysical properties (such as structural, functional, and spatial information, amino acid conservation, physicochemical variation, residue mobility, and thermodynamic stability) has been performed for this missense variant. However, the output from this modeling did not meet the statistical confidence thresholds required to predict the impact of this variant on LAMA4 protein function. In summary, the available evidence is currently insufficient to determine the role of this variant in disease. Therefore, it has been classified as a Variant of Uncertain Significance.

Ambry Genetics
Classification: Uncertain significance for Cardiovascular phenotype. Last evaluated: 2024-09-30. Review status: criteria provided, single submitter. Criteria: Ambry Variant Classification Scheme 2023. Collection method: clinical testing. Allele origin: germline.
Comment: The p.P1162L variant (also known as c.3485C>T), located in coding exon 25 of the LAMA4 gene, results from a C to T substitution at nucleotide position 3485. The proline at codon 1162 is replaced by leucine, an amino acid with similar properties. This variant was detected in a dilated cardiomyopathy cohort and a cardiomyopathy genetic testing cohort; however, clinical details were limited, and additional cardiac variants were detected in some cases (van Lint FHM et al. Neth Heart J, 2019 Jun;27:304-309).This amino acid position is highly conserved in available vertebrate species. In addition, this alteration is predicted to be deleterious by in silico analysis. Since supporting evidence is limited at this time, the clinical significance of this alteration remains unclear.

ARUP Laboratories, Molecular Genetics and Genomics, ARUP Laboratories
Classification: Uncertain significance for Dilated cardiomyopathy 1JJ. Last evaluated: 2020-10-04. Review status: criteria provided, single submitter. Criteria: ARUP Molecular Germline Variant Investigation Process 2021. Collection method: clinical testing. Allele origin: germline.
Comment: The LAMA4 p.Pro1162Leu variant (rs730880123), to our knowledge, has not been reported in the medical literature; however, this variant is listed in the ClinVar database (Variation ID: 180393). This variant is found in the general population with an overall allele frequency of 0.001% (3/250,834 alleles) in the Genome Aggregation Database. The proline at codon 1162 is highly conserved (Alamut v.2.11) and computational analyses (SIFT, PolyPhen-2) predict conflicting effects of this variant on protein structure/function. Based on the available information, the clinical significance of this variant is uncertain.

Clinical Genetics DNA and cytogenetics Diagnostics Lab, Erasmus MC, Erasmus Medical Center
Classification: Uncertain significance. Review status: no assertion criteria provided. Collection method: clinical testing. Allele origin: germline. Affected: yes. Study: VKGL Data-share Consensus. Not counted in ClinVar's aggregate classification.

Clinical Genetics, Academic Medical Center
Classification: Uncertain significance. Review status: no assertion criteria provided. Collection method: clinical testing. Allele origin: germline. Affected: yes. Study: VKGL Data-share Consensus. Not counted in ClinVar's aggregate classification.

Joint Genome Diagnostic Labs from Nijmegen and Maastricht, Radboudumc and MUMC+
Classification: Uncertain significance. Review status: no assertion criteria provided. Collection method: clinical testing. Allele origin: germline. Affected: yes. Study: VKGL Data-share Consensus. Not counted in ClinVar's aggregate classification.

Literature cited by the submitters: PubMed 30847666 (cited by Ambry Genetics); PubMed 32880476 (cited by Ambry Genetics).

NM_001105206.3(LAMA4):c.3506C>T (p.Pro1169Leu)

Gene: LAMA4 (laminin subunit alpha 4; minus strand). Cytogenetic location: 6q21.
Variant type: single nucleotide variant.
Coding change: c.3506C>T on transcript NM_001105206.3 (MANE Select); coding-DNA position 3506, C replaced by T.
Protein change: p.Pro1169Leu; replaces proline 1169 with leucine.
Molecular consequence: missense variant.
Genome position (GRCh38, 1-based): chr6:112,134,518, G>A on the plus strand (C>T on the coding strand, the complement: LAMA4 is on the minus strand). VCF-style: chr6-112134518-G-A. GRCh37 (hg19) VCF-style: chr6-112455720-G-A.
Other names: c.3485C>T, p.Pro1162Leu (NM_001105207.3, NM_002290.5); short protein forms P1162L, P1169L.
Identifiers: ClinVar variation 180393 (VCV000180393.23), dbSNP rs730880123, ClinGen allele CA346409.